The following is an entry in ClinVar:

NM_199420.4(POLQ):c.4140C>A (p.His1380Gln)

Gene: POLQ (DNA polymerase theta; minus strand). Cytogenetic location: 3q13.33.
Variant type: single nucleotide variant.
Coding change: c.4140C>A on transcript NM_199420.4 (MANE Select); coding-DNA position 4140, C replaced by A.
Protein change: p.His1380Gln; replaces histidine 1380 with glutamine.
Molecular consequence: missense variant.
Genome position (GRCh38, 1-based): chr3:121,488,791, G>T on the plus strand (C>A on the coding strand, the complement: POLQ is on the minus strand). VCF-style: chr3-121488791-G-T. GRCh37 (hg19) VCF-style: chr3-121207638-G-T.
Other names: short protein forms H1380Q.
Identifiers: ClinVar variation 3422567 (VCV003422567.1).

ClinVar aggregate classification (germline): Uncertain significance (1 of 4 stars; one submission).

Submission:

Ambry Genetics
Classification: Uncertain significance. Last evaluated: 2024-09-24. Review status: criteria provided, single submitter. Criteria: Ambry Variant Classification Scheme 2023. Collection method: clinical testing. Allele origin: germline.
Comment: The p.H1380Q variant (also known as c.4140C>A), located in coding exon 16 of the POLQ gene, results from a C to A substitution at nucleotide position 4140. The histidine at codon 1380 is replaced by glutamine, an amino acid with highly similar properties. This amino acid position is conserved. In addition, this alteration is predicted to be tolerated by in silico analysis. Based on the available evidence, the clinical significance of this variant remains unclear.